The following is an entry in ClinVar:

ClinVar aggregate classification (germline): Uncertain significance (1 of 4 stars; one submission).

gnomAD v4.1: 2 of 1,613,598 alleles (0.00012%); highest among the groups gnomAD compares: East Asian, 0.0022%; no homozygotes.

Submission:

Labcorp Genetics (formerly Invitae), Labcorp
Classification: Uncertain significance. Last evaluated: 2024-03-21. Review status: criteria provided, single submitter. Criteria: Invitae Variant Classification Sherloc (09022015). Collection method: clinical testing. Allele origin: germline.
Comment: This sequence change replaces asparagine, which is neutral and polar, with aspartic acid, which is acidic and polar, at codon 1640 of the FBN3 protein (p.Asn1640Asp). This variant is present in population databases (no rsID available, gnomAD 0.006%). This variant has not been reported in the literature in individuals affected with FBN3-related conditions. Advanced modeling of protein sequence and biophysical properties (such as structural, functional, and spatial information, amino acid conservation, physicochemical variation, residue mobility, and thermodynamic stability) performed at Invitae indicates that this missense variant is not expected to disrupt FBN3 protein function with a negative predictive value of 80%. In summary, the available evidence is currently insufficient to determine the role of this variant in disease. Therefore, it has been classified as a Variant of Uncertain Significance.

NM_032447.5(FBN3):c.4918A>G (p.Asn1640Asp)

Gene: FBN3 (fibrillin 3; minus strand). Cytogenetic location: 19p13.2.
Variant type: single nucleotide variant.
Coding change: c.4918A>G on transcript NM_032447.5 (MANE Select); coding-DNA position 4918, A replaced by G.
Protein change: p.Asn1640Asp; replaces asparagine 1640 with aspartic acid.
Molecular consequence: missense variant.
Genome position (GRCh38, 1-based): chr19:8,103,583, T>C on the plus strand (A>G on the coding strand, the complement: FBN3 is on the minus strand). VCF-style: chr19-8103583-T-C. GRCh37 (hg19) VCF-style: chr19-8168467-T-C.
Other names: c.4918A>G, p.Asn1640Asp (NM_001321431.2); short protein forms N1640D.
Identifiers: ClinVar variation 3688030 (VCV003688030.2).